The following is an entry in ClinVar:

ClinVar aggregate classification (germline): Uncertain significance. Review status: criteria provided, multiple submitters, no conflicts (2 of 4 stars). 3 submissions from 3 submitters: Uncertain significance (3). Last evaluated 2024-11-02.

Conditions:
Cardiomyopathy (CMYO). Also called: Cardiomyopathies. Identifiers: Orphanet 167848, MedGen C0878544, MONDO:0004994, HP:0001638. Inheritance: Various modes of inheritance.
Cardiovascular phenotype. Identifiers: MedGen CN230736.
Hypertrophic cardiomyopathy 4. Also called: Familial hypertrophic cardiomyopathy 4. Identifiers: MedGen C1861862, MONDO:0007268, OMIM 115197.

Allele frequency attached by ClinVar (database versions not stated): gnomAD exomes below 0.00001.
gnomAD v4.1: 1 of 1,613,774 alleles (0.000062%); no homozygotes.

Submissions (3):

Ambry Genetics
Classification: Uncertain significance for Cardiovascular phenotype. Last evaluated: 2024-11-02. Review status: criteria provided, single submitter. Criteria: Ambry Variant Classification Scheme 2023. Collection method: clinical testing. Allele origin: germline.
Comment: The p.A337V variant (also known as c.1010C>T), located in coding exon 12 of the MYBPC3 gene, results from a C to T substitution at nucleotide position 1010. The alanine at codon 337 is replaced by valine, an amino acid with similar properties. This amino acid position is conserved. In addition, the in silico prediction for this alteration is inconclusive. Based on the available evidence, the clinical significance of this variant remains unclear.

Color Diagnostics, LLC DBA Color Health
Classification: Uncertain significance for Cardiomyopathy. Last evaluated: 2024-03-06. Review status: criteria provided, single submitter. Criteria: ACMG Guidelines, 2015. Collection method: clinical testing. Allele origin: germline.
Comment: This missense variant replaces alanine with valine at codon 337 of the MYBPC3 protein. Computational prediction is inconclusive regarding the impact of this variant on protein structure and function (internally defined REVEL score threshold 0.5 < inconclusive < 0.7, PMID: 27666373). To our knowledge, functional studies have not been reported for this variant. This variant has not been reported in individuals affected with cardiovascular disorders in the literature. This variant has been identified in 1/248282 chromosomes in the general population by the Genome Aggregation Database (gnomAD). The available evidence is insufficient to determine the role of this variant in disease conclusively. Therefore, this variant is classified as a Variant of Uncertain Significance.

Centre for Mendelian Genomics, University Medical Centre Ljubljana
Classification: Uncertain significance for Hypertrophic cardiomyopathy 4. Last evaluated: 2019-11-22. Review status: criteria provided, single submitter. Criteria: ACMG Guidelines, 2015. Collection method: clinical testing. Allele origin: unknown. Affected: yes.
Comment: This variant was classified as: Uncertain significance. The available evidence favors the pathogenic nature of this variant, however the currently available data is insufficient to conclusively support its pathogenic nature. Thus this variant is classified as Uncertain significance - favor pathogenic. The following ACMG criteria were applied in classifying this variant: PM1,PM2,PP3.

NM_000256.3(MYBPC3):c.1010C>T (p.Ala337Val)

Gene: MYBPC3 (myosin binding protein C3; minus strand). Cytogenetic location: 11p11.2.
Variant type: single nucleotide variant.
Coding change: c.1010C>T on transcript NM_000256.3 (MANE Select); coding-DNA position 1010, C replaced by T.
Protein change: p.Ala337Val; replaces alanine 337 with valine.
Molecular consequence: missense variant.
Genome position (GRCh38, 1-based): chr11:47,346,287, G>A on the plus strand (C>T on the coding strand, the complement: MYBPC3 is on the minus strand). VCF-style: chr11-47346287-G-A. GRCh37 (hg19) VCF-style: chr11-47367838-G-A.
Other names: short protein forms A337V.
Identifiers: ClinVar variation 931252 (VCV000931252.7), dbSNP rs1356431718, ClinGen allele CA380331416.